The following is an entry in ClinVar:

NM_003060.4(SLC22A5):c.794T>G (p.Met265Arg)

Gene: SLC22A5 (solute carrier family 22 member 5; plus strand). Cytogenetic location: 5q31.1.
Variant type: single nucleotide variant.
Coding change: c.794T>G on transcript NM_003060.4 (MANE Select); coding-DNA position 794, T replaced by G.
Protein change: p.Met265Arg; replaces methionine 265 with arginine.
Molecular consequence: missense variant.
Genome position (GRCh38, 1-based): chr5:132,385,469, T>G. VCF-style: chr5-132385469-T-G. GRCh37 (hg19) VCF-style: chr5-131721161-T-G.
Other names: c.866T>G, p.Met289Arg (NM_001308122.2); short protein forms M265R, M289R.
Identifiers: ClinVar variation 975838 (VCV000975838.1), dbSNP rs1752495086, ClinGen allele CA360805222.

ClinVar aggregate classification (germline): Uncertain significance (0 of 4 stars; one submission).

Conditions:
Renal carnitine transport defect (CDSP). Also called: Primary carnitine deficiency; CARNITINE DEFICIENCY, SYSTEMIC, DUE TO DEFECT IN RENAL REABSORPTION OF CARNITINE; CARNITINE TRANSPORTER, PLASMA-MEMBRANE, DEFICIENCY OF; CARNITINE UPTAKE DEFECT; Systemic primary carnitine deficiency; Carnitine transporter deficiency. Identifiers: Orphanet 158, MedGen C0342788, MONDO:0008919, OMIM 212140.

Submission:

Clinical Genomics Laboratory, Stanford Medicine
Classification: Uncertain significance for Renal carnitine transport defect. Last evaluated: 2019-01-10. Review status: no assertion criteria provided. Collection method: clinical testing. Allele origin: germline. Inheritance: Autosomal recessive inheritance. Affected: yes.
Comment: The p.Met265Arg variant in the SLC22A5 gene has not been previously reported in association with disease. The variant was absent from large population databases, including the Genome Aggregation Database. The Met amino acid at position 265 is not evolutionarily conserved. These data were assessed using the ACMG/AMP variant interpretation guidelines. In summary, the significance of the p.Met265Arg variant is uncertain. Additional information is needed to resolve the significance of this variant. [ACMG evidence codes used: PM2]